The following is an entry in ClinVar:

ClinVar aggregate classification (germline): Uncertain significance (1 of 4 stars; one submission).

Submission:

GeneDx
Classification: Uncertain significance. Last evaluated: 2013-09-25. Review status: criteria provided, single submitter. Criteria: GeneDx Variant Classification (06012015). Collection method: clinical testing. Allele origin: germline. Affected: yes.
Comment: p.Ala1192Val (GCC>GTC): c.3575 C>T in exon 22 of the CNTNAP2 gene (NM_014141.5). The Ala1192Val missense change has not been published as a mutation, nor has it been reported as a benign polymorphism to our knowledge. It was not observed in approximately 6,500 individuals of European and African American ancestry in the NHLBI Exome Sequencing Project, indicating it is not a common benign variant in these populations. This variant is a conservative substitution of one uncharged, non-polar amino acid for another. The variant alters a position in the Laminin G-like 4 domain that is conserved through placental mammals but is not conserved in more distantly related species. In silico analysis is inconsistent with regard to the effect this variant may have on the protein structure/function. Therefore, based on the currently available information, it is unclear whether Ala1192Val is a disease-causing mutation or a rare benign variant. The variant is found in EPILEPSY panel(s).

NM_014141.6(CNTNAP2):c.3575C>T (p.Ala1192Val)

Gene: CNTNAP2 (contactin associated protein 2; plus strand). Cytogenetic location: 7q36.1.
Variant type: single nucleotide variant.
Coding change: c.3575C>T on transcript NM_014141.6 (MANE Select); coding-DNA position 3575, C replaced by T.
Protein change: p.Ala1192Val; replaces alanine 1192 with valine.
Molecular consequence: missense variant.
Genome position (GRCh38, 1-based): chr7:148,383,748, C>T. VCF-style: chr7-148383748-C-T. GRCh37 (hg19) VCF-style: chr7-148080840-C-T.
Other names: p.A1192V:GCC>GTC; short protein forms A1192V.
Identifiers: ClinVar variation 205288 (VCV000205288.2), dbSNP rs796052384, ClinGen allele CA314210.